The following is an entry in ClinVar:

ClinVar aggregate classification (germline): Uncertain significance (1 of 4 stars; one submission).

Conditions:
Hereditary cancer-predisposing syndrome. Also called: Tumor predisposition; Neoplastic Syndromes, Hereditary; Hereditary neoplastic syndrome; Hereditary Cancer Syndrome. Identifiers: Orphanet 140162, MedGen C0027672, MeSH D009386, MONDO:0015356.

Submission:

Ambry Genetics
Classification: Uncertain significance for Hereditary cancer-predisposing syndrome. Last evaluated: 2024-11-22. Review status: criteria provided, single submitter. Criteria: Ambry Variant Classification Scheme 2023. Collection method: clinical testing. Allele origin: germline.
Comment: The p.N229S variant (also known as c.686A>G), located in coding exon 9 of the BAP1 gene, results from an A to G substitution at nucleotide position 686. The asparagine at codon 229 is replaced by serine, an amino acid with highly similar properties. This amino acid position is conserved. In addition, this alteration is predicted to be tolerated by in silico analysis. Based on the available evidence, the clinical significance of this variant remains unclear.

NM_004656.4(BAP1):c.686A>G (p.Asn229Ser)

Gene: BAP1 (BRCA1 associated deubiquitinase 1; minus strand). Cytogenetic location: 3p21.1.
Variant type: single nucleotide variant.
Coding change: c.686A>G on transcript NM_004656.4 (MANE Select); coding-DNA position 686, A replaced by G.
Protein change: p.Asn229Ser; replaces asparagine 229 with serine.
Molecular consequence: missense variant. On other transcripts: intron variant (1).
Genome position (GRCh38, 1-based): chr3:52,406,350, T>C on the plus strand (A>G on the coding strand, the complement: BAP1 is on the minus strand). VCF-style: chr3-52406350-T-C. GRCh37 (hg19) VCF-style: chr3-52440366-T-C.
Other names: c.660-28A>G (NM_001410772.1); short protein forms N229S.
Identifiers: ClinVar variation 3477934 (VCV003477934.1).